The following is an entry in ClinVar:

ClinVar aggregate classification (germline): Uncertain significance. Review status: criteria provided, multiple submitters, no conflicts (2 of 4 stars). 6 submissions from 4 submitters: Uncertain significance (6). Last evaluated 2025-12-08.

Conditions:
Arrhythmogenic right ventricular dysplasia 8 (ARVD8). Also called: ARRHYTHMOGENIC RIGHT VENTRICULAR DYSPLASIA, FAMILIAL, 8; ARRHYTHMOGENIC RIGHT VENTRICULAR CARDIOMYOPATHY 8; Arrhythmogenic Right Ventricular Dysplasia/Cardiomyopathy 8. Identifiers: MedGen C1843896, MONDO:0011831, OMIM 607450.
Arrhythmogenic cardiomyopathy with wooly hair and keratoderma. Also called: PALMOPLANTAR KERATODERMA WITH LEFT VENTRICULAR CARDIOMYOPATHY AND WOOLLY HAIR; Carvajal syndrome; Dilated cardiomyopathy with woolly hair and keratoderma; Arrhythmogenic cardiomyopathy with woolly hair and keratoderma. Identifiers: Orphanet 65282, MedGen C1854063, MONDO:0011581, OMIM 605676.
Lethal acantholytic epidermolysis bullosa (EBLA). Identifiers: Orphanet 158687, MedGen C1864826, MONDO:0012323, OMIM 609638.
Woolly hair-skin fragility syndrome (WHSF). Identifiers: Orphanet 293165, MedGen C1843292, MONDO:0957307, OMIM 620415.
Cardiomyopathy, dilated, with wooly hair, keratoderma, and tooth agenesis. Also called: Cardiomyopathy, dilated, with woolly hair, keratoderma, and tooth agenesis; Erythrokeratodermia-cardiomyopathy syndrome. Identifiers: Orphanet 476096, Orphanet 65282, MedGen C4014393, MONDO:0014355, OMIM 615821.
Keratosis palmoplantaris striata 2. Also called: KERATODERMA, PALMOPLANTAR, STRIATE FORM II; STRIATE PALMOPLANTAR KERATODERMA II; Keratosis palmoplantaris striata II. Identifiers: MedGen C1852127, MONDO:0013034, OMIM 612908.
Cardiomyopathy (CMYO). Also called: Cardiomyopathies. Identifiers: Orphanet 167848, MedGen C0878544, MONDO:0004994, HP:0001638. Inheritance: Various modes of inheritance.

Allele frequency attached by ClinVar (database versions not stated): TOPMed 0.00002; ExAC 0.00005; 1000 Genomes Project 30x 0.00016; 1000 Genomes Project 0.00020.
gnomAD v4.1: 18 of 1,613,882 alleles (0.0011%); highest among the groups gnomAD compares: East Asian, 0.036%; no homozygotes.

Submissions (6):

Labcorp Genetics (formerly Invitae), Labcorp
Classification: Uncertain significance for Arrhythmogenic cardiomyopathy with wooly hair and keratoderma; Arrhythmogenic right ventricular dysplasia 8. Last evaluated: 2025-12-08. Review status: criteria provided, single submitter. Criteria: Invitae Variant Classification Sherloc (09022015). Collection method: clinical testing. Allele origin: germline.
Comment: This sequence change replaces glutamic acid, which is acidic and polar, with aspartic acid, which is acidic and polar, at codon 1357 of the DSP protein (p.Glu1357Asp). This variant is present in population databases (rs569786610, gnomAD 0.07%). This missense change has been observed in individual(s) with sudden unexplained nocturnal death syndrome (PMID: 26585738). ClinVar contains an entry for this variant (Variation ID: 357951). An algorithm developed to predict the effect of missense changes on protein structure and function (PolyPhen-2) suggests that this variant is likely to be disruptive. In summary, the available evidence is currently insufficient to determine the role of this variant in disease. Therefore, it has been classified as a Variant of Uncertain Significance.

Color Diagnostics, LLC DBA Color Health
Classification: Uncertain significance for Cardiomyopathy. Last evaluated: 2024-02-16. Review status: criteria provided, single submitter. Criteria: ACMG Guidelines, 2015. Collection method: clinical testing. Allele origin: germline.
Comment: This missense variant replaces glutamic acid with aspartic acid at codon 1357 of the DSP protein. Computational prediction suggests that this variant may not impact protein structure and function (internally defined REVEL score threshold <= 0.5, PMID: 27666373). To our knowledge, functional studies have not been reported for this variant. This variant has been reported in one case with sudden death (PMID: 26585738) and one case with still birth (PMID: 30615648). This variant has been identified in 13/250500 chromosomes in the general population by the Genome Aggregation Database (gnomAD). The available evidence is insufficient to determine the role of this variant in disease conclusively. Therefore, this variant is classified as a Variant of Uncertain Significance.

Fulgent Genetics
Classification: Uncertain significance for Arrhythmogenic cardiomyopathy with wooly hair and keratoderma; Arrhythmogenic right ventricular dysplasia 8; Lethal acantholytic epidermolysis bullosa; Keratosis palmoplantaris striata 2; Cardiomyopathy, dilated, with wooly hair, keratoderma, and tooth agenesis. Last evaluated: 2021-10-04. Review status: criteria provided, single submitter. Criteria: ACMG Guidelines, 2015. Collection method: clinical testing. Allele origin: unknown.

Illumina Laboratory Services, Illumina
Classification: Uncertain significance for Arrhythmogenic cardiomyopathy with wooly hair and keratoderma. Last evaluated: 2018-01-12. Review status: criteria provided, single submitter. Criteria: ICSL Variant Classification Criteria 13 December 2019. Collection method: clinical testing. Allele origin: germline.

Illumina Laboratory Services, Illumina
Classification: Uncertain significance for Lethal acantholytic epidermolysis bullosa. Last evaluated: 2018-01-12. Review status: criteria provided, single submitter. Criteria: ICSL Variant Classification Criteria 13 December 2019. Collection method: clinical testing. Allele origin: germline.

Illumina Laboratory Services, Illumina
Classification: Uncertain significance for Arrhythmogenic right ventricular dysplasia 8. Last evaluated: 2018-01-12. Review status: criteria provided, single submitter. Criteria: ICSL Variant Classification Criteria 13 December 2019. Collection method: clinical testing. Allele origin: germline.

Literature cited by the submitters: PubMed 26585738 (cited by Labcorp Genetics (formerly Invitae), Labcorp and Color Diagnostics, LLC DBA Color Health); PubMed 30615648 (cited by Color Diagnostics, LLC DBA Color Health).

NM_004415.4(DSP):c.4071G>C (p.Glu1357Asp)

Gene: DSP (desmoplakin; plus strand). Cytogenetic location: 6p24.3.
Variant type: single nucleotide variant.
Coding change: c.4071G>C on transcript NM_004415.4 (MANE Select); coding-DNA position 4071, G replaced by C.
Protein change: p.Glu1357Asp; replaces glutamic acid 1357 with aspartic acid.
Molecular consequence: missense variant. On other transcripts: intron variant (2).
Genome position (GRCh38, 1-based): chr6:7,580,261, G>C. VCF-style: chr6-7580261-G-C. GRCh37 (hg19) VCF-style: chr6-7580494-G-C.
Other names: c.4071G>C (LRG_423t1); c.4050+21G>C (NM_001319034.2); c.3582+489G>C (NM_001008844.3); short protein forms E1357D.
Identifiers: ClinVar variation 357951 (VCV000357951.18), dbSNP rs569786610, ClinGen allele CA040075.